The following is an entry in ClinVar:

NM_002907.4(RECQL):c.1363C>A (p.Arg455Ser)

Gene: RECQL (RecQ like helicase; minus strand). Cytogenetic location: 12p12.1.
Variant type: single nucleotide variant.
Coding change: c.1363C>A on transcript NM_002907.4 (MANE Select); coding-DNA position 1363, C replaced by A.
Protein change: p.Arg455Ser; replaces arginine 455 with serine.
Molecular consequence: missense variant.
Genome position (GRCh38, 1-based): chr12:21,473,635, G>T on the plus strand (C>A on the coding strand, the complement: RECQL is on the minus strand). VCF-style: chr12-21473635-G-T. GRCh37 (hg19) VCF-style: chr12-21626569-G-T.
Other names: c.1363C>A, p.Arg455Ser (NM_032941.3); short protein forms R455S.
Identifiers: ClinVar variation 2565578 (VCV002565578.4), dbSNP rs199740132, ClinGen allele CA6478766.

ClinVar aggregate classification (germline): Uncertain significance. Review status: criteria provided, multiple submitters, no conflicts (2 of 4 stars). 2 submissions from 2 submitters: Uncertain significance (2). Last evaluated 2025-10-23.

Allele frequency attached by ClinVar (database versions not stated): 1000 Genomes Project 30x 0.00016; 1000 Genomes Project 0.00020.
gnomAD v4.1: 9 of 1,611,462 alleles (0.00056%); highest among the groups gnomAD compares: African/African-American, 0.012%; no homozygotes.

Submissions (2):

Labcorp Genetics (formerly Invitae), Labcorp
Classification: Uncertain significance. Last evaluated: 2025-10-23. Review status: criteria provided, single submitter. Criteria: Invitae Variant Classification Sherloc (09022015). Collection method: clinical testing. Allele origin: germline.
Comment: This sequence change replaces arginine, which is basic and polar, with serine, which is neutral and polar, at codon 455 of the RECQL protein (p.Arg455Ser). This variant is present in population databases (rs199740132, gnomAD 0.01%). This variant has not been reported in the literature in individuals affected with RECQL-related conditions. ClinVar contains an entry for this variant (Variation ID: 2565578). Invitae Evidence Modeling of protein sequence and biophysical properties (such as structural, functional, and spatial information, amino acid conservation, physicochemical variation, residue mobility, and thermodynamic stability) has been performed for this missense variant. However, the output from this modeling did not meet the statistical confidence thresholds required to predict the impact of this variant on RECQL protein function. In summary, the available evidence is currently insufficient to determine the role of this variant in disease. Therefore, it has been classified as a Variant of Uncertain Significance.

Ambry Genetics
Classification: Uncertain significance. Last evaluated: 2025-06-27. Review status: criteria provided, single submitter. Criteria: Ambry Variant Classification Scheme 2023. Collection method: clinical testing. Allele origin: germline.